The following is an entry in ClinVar:

NM_001556.3(IKBKB):c.703G>A (p.Val235Met)

Gene: IKBKB (inhibitor of nuclear factor kappa B kinase subunit beta; plus strand). Cytogenetic location: 8p11.21.
Variant type: single nucleotide variant.
Coding change: c.703G>A on transcript NM_001556.3 (MANE Select); coding-DNA position 703, G replaced by A.
Protein change: p.Val235Met; replaces valine 235 with methionine.
Molecular consequence: missense variant. On other transcripts: non-coding transcript variant (3).
Genome position (GRCh38, 1-based): chr8:42,314,332, G>A. VCF-style: chr8-42314332-G-A. GRCh37 (hg19) VCF-style: chr8-42171850-G-A.
Other names: c.511G>A, p.Val171Met (NM_001190720.3); c.526G>A, p.Val176Met (NM_001242778.2); short protein forms V171M, V176M, V235M.
Identifiers: ClinVar variation 2743263 (VCV002743263.3), dbSNP rs2487617274, ClinGen allele CA371083028.

ClinVar aggregate classification (germline): Uncertain significance (1 of 4 stars; one submission).

Conditions:
Severe combined immunodeficiency due to IKK2 deficiency. Also called: IMMUNODEFICIENCY 15B; Immunodeficiency 15. Identifiers: Orphanet 397787, MedGen C4747743, MONDO:0014267, OMIM 615592.

Submission:

Labcorp Genetics (formerly Invitae), Labcorp
Classification: Uncertain significance for Severe combined immunodeficiency due to IKK2 deficiency. Last evaluated: 2025-10-01. Review status: criteria provided, single submitter. Criteria: Invitae Variant Classification Sherloc (09022015). Collection method: clinical testing. Allele origin: germline.
Comment: This sequence change replaces valine, which is neutral and non-polar, with methionine, which is neutral and non-polar, at codon 235 of the IKBKB protein (p.Val235Met). This variant is not present in population databases (gnomAD no frequency). This variant has not been reported in the literature in individuals affected with IKBKB-related conditions. ClinVar contains an entry for this variant (Variation ID: 2743263). Invitae Evidence Modeling of protein sequence and biophysical properties (such as structural, functional, and spatial information, amino acid conservation, physicochemical variation, residue mobility, and thermodynamic stability) indicates that this missense variant is not expected to disrupt IKBKB protein function with a negative predictive value of 95%. In summary, the available evidence is currently insufficient to determine the role of this variant in disease. Therefore, it has been classified as a Variant of Uncertain Significance.